The following is an entry in ClinVar:

ClinVar aggregate classification (germline): Benign (1 of 4 stars; one submission).

Conditions:
Congenital Muscular Dystrophy, alpha-dystroglycan related.

Allele frequency attached by ClinVar (database versions not stated): TOPMed 0.30573; gnomAD 0.31853 and 0.32835; 1000 Genomes Project 0.33107; 1000 Genomes Project 30x 0.33198; gnomAD exomes 0.35543 and 0.38369; ExAC 0.40594.
gnomAD v4.1: 78,582 of 226,842 alleles (35%); highest among the groups gnomAD compares: South Asian, 51%; 15,608 homozygotes.

Submission:

Illumina Laboratory Services, Illumina
Classification: Benign for Congenital Muscular Dystrophy, alpha-dystroglycan related. Last evaluated: 2018-01-13. Review status: criteria provided, single submitter. Criteria: ICSL Variant Classification Criteria 13 December 2019. Collection method: clinical testing. Allele origin: germline.
Comment: This variant was observed in the ICSL laboratory as part of a predisposition screen in an ostensibly healthy population. It had not been previously curated by ICSL or reported in the Human Gene Mutation Database (HGMD: prior to June 1st, 2018), and was therefore a candidate for classification through an automated scoring system. Utilizing variant allele frequency, disease prevalence and penetrance estimates, and inheritance mode, an automated score was calculated to assess if this variant is too frequent to cause the disease. Based on the score and internal cut-off values, a variant classified as benign is not then subjected to further curation. The score for this variant resulted in a classification of benign for this disease.

NM_001101426.4(CRPPA):c.*2106C>T

Gene: CRPPA (CDP-L-ribitol pyrophosphorylase A; minus strand). Cytogenetic location: 7p21.2.
Variant type: single nucleotide variant.
Coding change: c.*2106C>T on transcript NM_001101426.4 (MANE Select); 2106 bases downstream of the stop codon, C replaced by T.
Molecular consequence: 3 prime UTR variant. On other transcripts: non-coding transcript variant (1).
Genome position (GRCh38, 1-based): chr7:16,089,589, G>A on the plus strand (C>T on the coding strand, the complement: CRPPA is on the minus strand). VCF-style: chr7-16089589-G-A. GRCh37 (hg19) VCF-style: chr7-16129214-G-A.
Other names: c.*2106C>T (NM_001101417.4, NM_001368197.1).
Identifiers: ClinVar variation 359551 (VCV000359551.5), dbSNP rs11773533, ClinGen allele CA4169306.